The following is an entry in ClinVar:

ClinVar aggregate classification (germline): Pathogenic (1 of 4 stars; one submission).

Conditions:
Primary pulmonary hypertension. Also called: Idiopathic pulmonary hypertension. Identifiers: MedGen C0152171.

Submission:

Labcorp Genetics (formerly Invitae), Labcorp
Classification: Pathogenic for Primary pulmonary hypertension. Last evaluated: 2020-06-30. Review status: criteria provided, single submitter. Criteria: Invitae Variant Classification Sherloc (09022015). Collection method: clinical testing. Allele origin: germline.
Comment: For these reasons, this variant has been classified as Pathogenic. Loss-of-function variants in BMPR2 are known to be pathogenic (PMID: 16429395). This variant has been observed in individual(s) with clinical features of pulmonary arterial hypertension (PMID: 31727138). This variant is not present in population databases (ExAC no frequency). This sequence change creates a premature translational stop signal (p.Leu175*) in the BMPR2 gene. It is expected to result in an absent or disrupted protein product.

Literature cited by the submitters: PubMed 16429395; PubMed 31727138.

NM_001204.7(BMPR2):c.524del (p.Met174_Leu175insTer)

Gene: BMPR2 (bone morphogenetic protein receptor type 2; plus strand). Cytogenetic location: 2q33.2.
Variant type: Deletion.
Coding change: c.524del on transcript NM_001204.7 (MANE Select); coding-DNA position 524, one base deleted (T; older notation c.524delT).
Protein change: p.Met174_Leu175insTer.
Molecular consequence: nonsense.
Genome position (GRCh38, 1-based): chr2:202,513,824, T deleted; the last of 2 consecutive T bases (chr2:202,513,823-202,513,824); deleting either gives the same sequence. VCF-style (leftmost placement, unchanged base first): chr2-202513822-GT-G. GRCh37 (hg19) VCF-style: chr2-203378545-GT-G.
Identifiers: ClinVar variation 1076573 (VCV001076573.9), dbSNP rs2106002172, ClinGen allele CA2499215570.